The following is an entry in ClinVar:

ClinVar aggregate classification (germline): Uncertain significance. Review status: criteria provided, multiple submitters, no conflicts (2 of 4 stars). 2 submissions from 2 submitters: Uncertain significance (2). Last evaluated 2024-08-14.

Allele frequency attached by ClinVar (database versions not stated): gnomAD 0.00001.
gnomAD v4.1: 10 of 1,612,896 alleles (0.00062%); highest among the groups gnomAD compares: Non-Finnish European, 0.00085%; no homozygotes.

Submissions (2):

Ambry Genetics
Classification: Uncertain significance. Last evaluated: 2024-08-14. Review status: criteria provided, single submitter. Criteria: Ambry Variant Classification Scheme 2023. Collection method: clinical testing. Allele origin: germline.

Labcorp Genetics (formerly Invitae), Labcorp
Classification: Uncertain significance. Last evaluated: 2023-12-11. Review status: criteria provided, single submitter. Criteria: Invitae Variant Classification Sherloc (09022015). Collection method: clinical testing. Allele origin: germline.
Comment: This sequence change replaces arginine, which is basic and polar, with glutamine, which is neutral and polar, at codon 563 of the ARHGEF1 protein (p.Arg563Gln). This variant is present in population databases (no rsID available, gnomAD 0.002%). This variant has not been reported in the literature in individuals affected with ARHGEF1-related conditions. ClinVar contains an entry for this variant (Variation ID: 1922894). Algorithms developed to predict the effect of missense changes on protein structure and function output the following: SIFT: "Not Available"; PolyPhen-2: "Benign"; Align-GVGD: "Not Available". The glutamine amino acid residue is found in multiple mammalian species, which suggests that this missense change does not adversely affect protein function. In summary, the available evidence is currently insufficient to determine the role of this variant in disease. Therefore, it has been classified as a Variant of Uncertain Significance.

NM_004706.4(ARHGEF1):c.1643G>A (p.Arg548Gln)

Gene: ARHGEF1 (Rho guanine nucleotide exchange factor 1; plus strand). Cytogenetic location: 19q13.2.
Variant type: single nucleotide variant.
Coding change: c.1643G>A on transcript NM_004706.4 (MANE Select); coding-DNA position 1643, G replaced by A.
Protein change: p.Arg548Gln; replaces arginine 548 with glutamine.
Molecular consequence: missense variant. On other transcripts: non-coding transcript variant (2).
Genome position (GRCh38, 1-based): chr19:41,902,803, G>A. VCF-style: chr19-41902803-G-A. GRCh37 (hg19) VCF-style: chr19-42406953-G-A.
Other names: c.1811G>A, p.Arg604Gln (NM_001396000.1); c.1544G>A, p.Arg515Gln (NM_001396002.1, NM_001396004.1, NM_198977.2); c.1643G>A, p.Arg548Gln (NM_001396003.1, NM_001396006.1); c.1688G>A, p.Arg563Gln (NM_199002.2); c.1688G>A (NM_199002.1); short protein forms R563Q, R515Q, R548Q, R604Q.
Identifiers: ClinVar variation 1922894 (VCV001922894.6), dbSNP rs1555849325, ClinGen allele CA406062182.